The following is an entry in ClinVar:

NM_177438.3(DICER1):c.4698G>C (p.Leu1566=)

Gene: DICER1 (dicer 1, ribonuclease III; minus strand). Cytogenetic location: 14q32.13.
Variant type: single nucleotide variant.
Coding change: c.4698G>C on transcript NM_177438.3 (MANE Select); coding-DNA position 4698, G replaced by C.
Protein change: p.Leu1566=; no amino-acid change (leucine 1566 retained).
Molecular consequence: synonymous variant.
Genome position (GRCh38, 1-based): chr14:95,096,222, C>G on the plus strand (G>C on the coding strand, the complement: DICER1 is on the minus strand). VCF-style: chr14-95096222-C-G. GRCh37 (hg19) VCF-style: chr14-95562559-C-G.
Other names: c.4698G>C, p.Leu1566= (NM_001195573.1, NM_001271282.3, NM_001291628.2 and 1 more transcripts).
Identifiers: ClinVar variation 715134 (VCV000715134.20), dbSNP rs372837448, ClinGen allele CA7330815.

ClinVar aggregate classification (germline): Benign/Likely benign. Review status: criteria provided, multiple submitters, no conflicts (2 of 4 stars). 6 submissions from 6 submitters: Benign (1); Likely benign (4). 1 of the submissions does not count toward it. Last evaluated 2026-04-20.

Conditions:
DICER1-related disorder. Also called: DICER1-related condition.
DICER1-related tumor predisposition. Also called: DICER1-related pleuropulmonary blastoma cancer predisposition syndrome; DICER1 syndrome. Identifiers: Orphanet 284343, MedGen C3839822, MONDO:0100216.
Hereditary cancer-predisposing syndrome. Also called: Hereditary Cancer Syndrome; Hereditary neoplastic syndrome; Neoplastic Syndromes, Hereditary; Tumor predisposition. Identifiers: Orphanet 140162, MedGen C0027672, MeSH D009386, MONDO:0015356.

Allele frequency attached by ClinVar (database versions not stated): ESP Exome Variant Server 0.00008; gnomAD exomes below 0.00001 and 0.00001; ExAC 0.00001; gnomAD 0.00001; TOPMed 0.00003.
gnomAD v4.1: 2 of 1,614,114 alleles (0.00012%); highest among the groups gnomAD compares: African/African-American, 0.0027%; no homozygotes.

Submissions (6):

Myriad Genetics, Inc.
Classification: Benign for DICER1-related tumor predisposition. Last evaluated: 2026-04-20. Review status: criteria provided, single submitter. Criteria: Myriad Autosomal Dominant, Autosomal Recessive and X-Linked Classification Criteria (2023). Collection method: clinical testing. Allele origin: unknown.
Comment: This variant is considered benign. This variant is a silent/synonymous amino acid change and it is not expected to impact splicing.

Labcorp Genetics (formerly Invitae), Labcorp
Classification: Likely benign for DICER1-related tumor predisposition. Last evaluated: 2026-01-31. Review status: criteria provided, single submitter. Criteria: Invitae Variant Classification Sherloc (09022015). Collection method: clinical testing. Allele origin: germline.

Sema4
Classification: Likely benign for Hereditary cancer-predisposing syndrome. Last evaluated: 2022-02-24. Review status: criteria provided, single submitter. Criteria: Sema4 Curation Guidelines. Collection method: curation. Allele origin: germline.

Ambry Genetics
Classification: Likely benign for Hereditary cancer-predisposing syndrome. Last evaluated: 2018-10-02. Review status: criteria provided, single submitter. Criteria: Ambry Variant Classification Scheme 2023. Collection method: clinical testing. Allele origin: germline.

Breakthrough Genomics
Classification: Likely benign. Review status: criteria provided, single submitter. Criteria: ACMG Guidelines, 2015. Collection method: not provided. Allele origin: germline. Inheritance: Autosomal dominant inheritance. Affected: yes.

PreventionGenetics, part of Exact Sciences
Classification: Likely benign for DICER1-related condition. Last evaluated: 2023-01-19. Review status: no assertion criteria provided. Collection method: clinical testing. Allele origin: germline. Not counted in ClinVar's aggregate classification.
Comment: This variant is classified as likely benign based on ACMG/AMP sequence variant interpretation guidelines (Richards et al. 2015 PMID: 25741868, with internal and published modifications).